The following is an entry in ClinVar:

ClinVar aggregate classification (germline): Conflicting classifications of pathogenicity. Review status: criteria provided, conflicting classifications (1 of 4 stars). 8 submissions from 8 submitters: Uncertain significance (3); Benign (3). 2 of the submissions do not count toward it. Last evaluated 2026-04-01.

Conditions:
Thrombophilia due to protein S deficiency, autosomal dominant (THPH5). Identifiers: Orphanet 26349, Orphanet 743, MedGen C3278211, MONDO:0012868, OMIM 612336. Disease mechanism: loss of function.
Thrombophilia due to protein S deficiency, autosomal recessive (THPH6). Identifiers: Orphanet 743, MedGen C3281092, MONDO:0013791, OMIM 614514. Disease mechanism: loss of function.
Retinal dystrophy. Also called: Inherited retinal dystrophy. Identifiers: Orphanet 71862, MedGen C0854723, MeSH D058499, MONDO:0019118, HP:0000556.

Allele frequency attached by ClinVar (database versions not stated): gnomAD exomes 0.00122 and 0.00171; ExAC 0.00171; ESP Exome Variant Server 0.00231; gnomAD 0.00231 and 0.00238; TOPMed 0.00272; 1000 Genomes Project 0.00319; 1000 Genomes Project 30x 0.00328.
gnomAD v4.1: 2,193 of 1,612,234 alleles (0.14%); highest among the groups gnomAD compares: Middle Eastern, 0.76%; 7 homozygotes.

Submissions (8):

CeGaT Center for Human Genetics Tuebingen
Classification: Benign. Last evaluated: 2026-04-01. Review status: criteria provided, single submitter. Criteria: CeGaT Center For Human Genetics Tuebingen Variant Classification Criteria Version 2. Collection method: clinical testing. Allele origin: germline. Affected: yes. Observed: 2 variant alleles.
Comment: PROS1: BS1, BS2

Labcorp Genetics (formerly Invitae), Labcorp
Classification: Benign for Thrombophilia due to protein S deficiency, autosomal recessive. Last evaluated: 2026-02-03. Review status: criteria provided, single submitter. Criteria: Invitae Variant Classification Sherloc (09022015). Collection method: clinical testing. Allele origin: germline.

Institute of Immunology and Genetics Kaiserslautern
Classification: Uncertain significance for Thrombophilia due to protein S deficiency, autosomal dominant. Last evaluated: 2025-06-04. Review status: criteria provided, single submitter. Criteria: ACMG Guidelines, 2015. Collection method: clinical testing. Allele origin: germline. Affected: yes.
Comment: ACMG Criteria: BS1, PM1, PP3; Variant was found in heterozygous state.

Mayo Clinic Laboratories, Mayo Clinic
Classification: Benign. Last evaluated: 2024-11-18. Review status: criteria provided, single submitter. Criteria: ACMG Guidelines, 2015. Collection method: clinical testing. Allele origin: germline. Observed: 4 variant alleles.
Comment: BS1, BS2_supporting, BS3

Illumina Laboratory Services, Illumina
Classification: Uncertain significance for Thrombophilia due to protein S deficiency, autosomal dominant. Last evaluated: 2017-04-27. Review status: criteria provided, single submitter. Criteria: ICSL Variant Classification Criteria 13 December 2019. Collection method: clinical testing. Allele origin: germline.
Comment: This variant was observed as part of a predisposition screen in an ostensibly healthy population. A literature search was performed for the gene, cDNA change, and amino acid change (where applicable). Publications were found based on this search. However, the evidence from the literature, in combination with allele frequency data from public databases where available, was not sufficient to rule this variant in or out of causing disease. Therefore, this variant is classified as a variant of unknown significance.

ISTH-SSC Genomics in Thrombosis and Hemostasis, KU Leuven, Center for Molecular and Vascular Biology
Classification: Uncertain significance for Thrombophilia due to protein S deficiency, autosomal dominant. Review status: criteria provided, single submitter. Criteria: ACMG Guidelines, 2015. Collection method: clinical testing. Allele origin: germline. Affected: yes. Observed: 1 heterozygote.
Comment: Submitted to the GoldVariant database by Kathleen Freson, Center for Molecular and Vascular Biology

Department of Transfusion Medicine and Hemostaseology, University Hospital Erlangen
Classification: Uncertain significance for Thrombophilia due to protein S deficiency, autosomal dominant. Last evaluated: 2025-09-01. Review status: no assertion criteria provided. Collection method: clinical testing. Allele origin: germline. Not counted in ClinVar's aggregate classification.
Comment: This variant was identified during a screening of patients with suspected hereditary Protein S deficiency. It has been described in the literature as likely benign (PMID: 7803790, 10613647) and has been characterized in vitro, showing no functional defect (PMID: 15712227). According to dbSNP it represents a very rare genetic alteration, previously detected in the European population in both heterozygous and homozygous state according to the Allele Frequency Aggregator dataset. While PolyPhen-2 and SIFT classify this variant as likely pathogenic, it is classified as likely benign by AlphaMissense. Taken together, we classified this variant as of uncertain significance.

Institute of Human Genetics, Univ. Regensburg, Univ. Regensburg
Classification: Uncertain significance for Retinal dystrophy. Last evaluated: 2023-01-01. Review status: no assertion criteria provided. Criteria: ACMG Guidelines, 2015. Collection method: clinical testing. Allele origin: germline. Affected: yes. Not counted in ClinVar's aggregate classification.

Literature cited by the submitters: PubMed 15712227 (cited by 3 submitters); PubMed 29296762 (cited by Mayo Clinic Laboratories, Mayo Clinic); PubMed 33537542 (cited by Mayo Clinic Laboratories, Mayo Clinic); PubMed 7803790 (cited by Department of Transfusion Medicine and Hemostaseology, University Hospital Erlangen); PubMed 10613647 (cited by Department of Transfusion Medicine and Hemostaseology, University Hospital Erlangen).

NM_000313.4(PROS1):c.227C>T (p.Pro76Leu)

Gene: PROS1 (protein S; minus strand). Cytogenetic location: 3q11.1.
Variant type: single nucleotide variant.
Coding change: c.227C>T on transcript NM_000313.4 (MANE Select); coding-DNA position 227, C replaced by T.
Protein change: p.Pro76Leu; replaces proline 76 with leucine.
Molecular consequence: missense variant.
Genome position (GRCh38, 1-based): chr3:93,927,257, G>A on the plus strand (C>T on the coding strand, the complement: PROS1 is on the minus strand). VCF-style: chr3-93927257-G-A. GRCh37 (hg19) VCF-style: chr3-93646101-G-A.
Other names: p.Pro76Leu; c.323C>T, p.Pro108Leu (NM_001314077.2); short protein forms P76L, P108L.
Identifiers: ClinVar variation 540211 (VCV000540211.57), dbSNP rs73846070, ClinGen allele CA2503573.